The following is an entry in ClinVar:

NM_176787.5(PIGN):c.527C>T (p.Thr176Met)

Gene: PIGN (phosphatidylinositol glycan anchor biosynthesis class N; minus strand). Cytogenetic location: 18q21.33.
Variant type: single nucleotide variant.
Coding change: c.527C>T on transcript NM_176787.5 (MANE Select); coding-DNA position 527, C replaced by T.
Protein change: p.Thr176Met; replaces threonine 176 with methionine.
Molecular consequence: missense variant.
Genome position (GRCh38, 1-based): chr18:62,154,567, G>A on the plus strand (C>T on the coding strand, the complement: PIGN is on the minus strand). VCF-style: chr18-62154567-G-A. GRCh37 (hg19) VCF-style: chr18-59821800-G-A.
Other names: c.527C>T, p.Thr176Met (NM_012327.6); short protein forms T176M.
Identifiers: ClinVar variation 958423 (VCV000958423.6), dbSNP rs201833876, ClinGen allele CA8982563.
Genomic context (GRCh38, chr18:62,154,567, plus strand): 5'-ATATGCTTTTTGTATATTAACCACTCAATAGCACAAACCTTAACATTATCAAAAACCCAC[G>A]TATCCAGTTTTGTTGCATCTTGAGCACCAAAATCCTCTCTTTTAGCATCATAACTATATG-3'
Protein context (NP_789744.1, residues 166-186): FGAQDATKLD[Thr176Met]WVFDNVKDFF

ClinVar aggregate classification (germline): Uncertain significance. Review status: criteria provided, multiple submitters, no conflicts (2 of 4 stars). 2 submissions from 2 submitters: Uncertain significance (2). Last evaluated 2025-07-02.

Conditions:
Inborn genetic diseases. Identifiers: MedGen C0950123, MeSH D030342.
Multiple congenital anomalies-hypotonia-seizures syndrome 1 (MCAHS1). Also called: PIGN-CDG; Congenital disorder of glycosylation due to PIGN deficiency; GLYCOSYLPHOSPHATIDYLINOSITOL BIOSYNTHESIS DEFECT 3. Identifiers: Orphanet 280633, MedGen C3279775, MONDO:0013563, OMIM 614080.

Allele frequency attached by ClinVar (database versions not stated): TOPMed 0.00003; gnomAD 0.00004 and 0.00005; 1000 Genomes Project 30x 0.00016; 1000 Genomes Project 0.00020; gnomAD exomes 0.00001; ExAC 0.00002.
gnomAD v4.1: 25 of 1,551,620 alleles (0.0016%); highest among the groups gnomAD compares: African/African-American, 0.0068%; no homozygotes.

Submissions (2):

Ambry Genetics
Classification: Uncertain significance for Inborn genetic diseases. Last evaluated: 2025-07-02. Review status: criteria provided, single submitter. Criteria: Ambry Variant Classification Scheme 2023. Collection method: clinical testing. Allele origin: germline.

Labcorp Genetics (formerly Invitae), Labcorp
Classification: Uncertain significance for Multiple congenital anomalies-hypotonia-seizures syndrome 1. Last evaluated: 2022-08-16. Review status: criteria provided, single submitter. Criteria: Invitae Variant Classification Sherloc (09022015). Collection method: clinical testing. Allele origin: germline.
Comment: This sequence change replaces threonine, which is neutral and polar, with methionine, which is neutral and non-polar, at codon 176 of the PIGN protein (p.Thr176Met). This variant is present in population databases (rs201833876, gnomAD 0.004%). This variant has not been reported in the literature in individuals affected with PIGN-related conditions. ClinVar contains an entry for this variant (Variation ID: 958423). Algorithms developed to predict the effect of missense changes on protein structure and function (SIFT, PolyPhen-2, Align-GVGD) all suggest that this variant is likely to be tolerated. Algorithms developed to predict the effect of sequence changes on RNA splicing suggest that this variant may create or strengthen a splice site. In summary, the available evidence is currently insufficient to determine the role of this variant in disease. Therefore, it has been classified as a Variant of Uncertain Significance.